The following is an entry in ClinVar:

ClinVar aggregate classification (germline): Uncertain significance. Review status: criteria provided, multiple submitters, no conflicts (2 of 4 stars). 3 submissions from 3 submitters: Uncertain significance (3). Last evaluated 2025-06-18.

Conditions:
Ehlers-Danlos syndrome, musculocontractural type 2 (EDSMC2). Identifiers: Orphanet 2953, MedGen C3809845, MONDO:0014236, OMIM 615539.
Inborn genetic diseases. Identifiers: MedGen C0950123, MeSH D030342.

Allele frequency attached by ClinVar (database versions not stated): TOPMed below 0.00001.
gnomAD v4.1: 3 of 1,614,108 alleles (0.00019%); highest among the groups gnomAD compares: Non-Finnish European, 0.000085%; no homozygotes.

Submissions (3):

Ambry Genetics
Classification: Uncertain significance for Inborn genetic diseases. Last evaluated: 2025-06-18. Review status: criteria provided, single submitter. Criteria: Ambry Variant Classification Scheme 2023. Collection method: clinical testing. Allele origin: germline.

GeneDx
Classification: Uncertain significance. Last evaluated: 2024-10-02. Review status: criteria provided, single submitter. Criteria: GeneDx Variant Classification Process June 2021. Collection method: clinical testing. Allele origin: germline. Affected: yes.
Comment: Not observed at significant frequency in large population cohorts (gnomAD); In silico analysis indicates that this missense variant does not alter protein structure/function; Has not been previously published as pathogenic or benign to our knowledge

Labcorp Genetics (formerly Invitae), Labcorp
Classification: Uncertain significance for Ehlers-Danlos syndrome, musculocontractural type 2. Last evaluated: 2022-02-17. Review status: criteria provided, single submitter. Criteria: Invitae Variant Classification Sherloc (09022015). Collection method: clinical testing. Allele origin: germline.
Comment: In summary, the available evidence is currently insufficient to determine the role of this variant in disease. Therefore, it has been classified as a Variant of Uncertain Significance. Algorithms developed to predict the effect of missense changes on protein structure and function are either unavailable or do not agree on the potential impact of this missense change (SIFT: "Not Available"; PolyPhen-2: "Possibly Damaging"; Align-GVGD: "Not Available"). This variant has not been reported in the literature in individuals affected with DSE-related conditions. This variant is not present in population databases (gnomAD no frequency). This sequence change replaces asparagine, which is neutral and polar, with serine, which is neutral and polar, at codon 445 of the DSE protein (p.Asn445Ser).

NM_013352.4(DSE):c.1334A>G (p.Asn445Ser)

Gene: DSE (dermatan sulfate epimerase; plus strand). Cytogenetic location: 6q22.1.
Variant type: single nucleotide variant.
Coding change: c.1334A>G on transcript NM_013352.4 (MANE Select); coding-DNA position 1334, A replaced by G.
Protein change: p.Asn445Ser; replaces asparagine 445 with serine.
Molecular consequence: missense variant. On other transcripts: 3 prime UTR variant (2), non-coding transcript variant (1).
Genome position (GRCh38, 1-based): chr6:116,435,802, A>G. VCF-style: chr6-116435802-A-G. GRCh37 (hg19) VCF-style: chr6-116756965-A-G.
Other names: c.1334A>G, p.Asn445Ser (NM_001080976.3, NM_001322937.2, NM_001322938.2); c.1391A>G, p.Asn464Ser (NM_001322939.2); c.773A>G, p.Asn258Ser (NM_001322940.2, NM_001322941.2); c.*199A>G (NM_001322943.2, NM_001322944.2); c.335A>G, p.Asn112Ser (NM_001374520.1); c.299A>G, p.Asn100Ser (NM_001374521.1); c.1334A>G (NM_013352.2); short protein forms N445S, N100S, N112S, N258S, N464S.
Identifiers: ClinVar variation 1440408 (VCV001440408.11), dbSNP rs1423707879, ClinGen allele CA365399577.